The following is an entry in ClinVar:

ClinVar aggregate classification (germline): Uncertain significance (1 of 4 stars; one submission).

Submission:

GeneDx
Classification: Uncertain significance. Last evaluated: 2026-04-11. Review status: criteria provided, single submitter. Criteria: GeneDx Variant Classification Process June 2021. Collection method: clinical testing. Allele origin: germline.
Comment: Not observed at significant frequency in large population cohorts (gnomAD); In silico analysis suggests that this missense variant does not alter protein structure/function; Has not been previously published as pathogenic or benign to our knowledge

NM_198904.4(GABRG2):c.1365C>G (p.Ile455Met)

Gene: GABRG2 (gamma-aminobutyric acid type A receptor subunit gamma2; plus strand). Cytogenetic location: 5q34.
Variant type: single nucleotide variant.
Coding change: c.1365C>G on transcript NM_198904.4 (MANE Select); coding-DNA position 1365, C replaced by G.
Protein change: p.Ile455Met; replaces isoleucine 455 with methionine.
Molecular consequence: missense variant. On other transcripts: 3 prime UTR variant (1).
Genome position (GRCh38, 1-based): chr5:162,153,305, C>G. VCF-style: chr5-162153305-C-G. GRCh37 (hg19) VCF-style: chr5-161580311-C-G.
Other names: c.1341C>G, p.Ile447Met (NM_000816.3); c.1356C>G, p.Ile452Met (NM_001375339.1); c.*199C>G (NM_001375340.1); c.1362C>G, p.Ile454Met (NM_001375341.1); c.1338C>G, p.Ile446Met (NM_001375342.1); c.1461C>G, p.Ile487Met (NM_001375343.1); c.1404C>G, p.Ile468Met (NM_001375344.1); c.1275C>G, p.Ile425Met (NM_001375345.1); and 6 more; short protein forms I307M, I315M, I352M, I425M, I426M, I433M, I446M, I447M.
Identifiers: ClinVar variation 5036974 (VCV005036974.1).